The following is an entry in ClinVar:

NM_001081.4(CUBN):c.6641G>A (p.Ser2214Asn)

Gene: CUBN (cubilin; minus strand). Cytogenetic location: 10p13.
Variant type: single nucleotide variant.
Coding change: c.6641G>A on transcript NM_001081.4 (MANE Select); coding-DNA position 6641, G replaced by A.
Protein change: p.Ser2214Asn; replaces serine 2214 with asparagine.
Molecular consequence: missense variant.
Genome position (GRCh38, 1-based): chr10:16,925,246, C>T on the plus strand (G>A on the coding strand, the complement: CUBN is on the minus strand). VCF-style: chr10-16925246-C-T. GRCh37 (hg19) VCF-style: chr10-16967245-C-T.
Other names: short protein forms S2214N.
Identifiers: ClinVar variation 2382496 (VCV002382496.4), dbSNP rs143465621, ClinGen allele CA5423633.

ClinVar aggregate classification (germline): Uncertain significance. Review status: criteria provided, multiple submitters, no conflicts (2 of 4 stars). 2 submissions from 2 submitters: Uncertain significance (2). Last evaluated 2025-08-14.

Conditions:
Imerslund-Grasbeck syndrome. Also called: ENTEROCYTE COBALAMIN MALABSORPTION; ENTEROCYTE INTRINSIC FACTOR RECEPTOR, DEFECT OF; PERNICIOUS ANEMIA, JUVENILE, DUE TO SELECTIVE INTESTINAL MALABSORPTION OF VITAMIN B12, WITH PROTEINURIA; Megaloblastic anemia due to inborn errors of metabolism; Imerslund-Gräsbeck syndrome. Identifiers: Orphanet 35858, MedGen C4551825, MONDO:0009853.
Inborn genetic diseases. Identifiers: MedGen C0950123, MeSH D030342.

Allele frequency attached by ClinVar (database versions not stated): gnomAD 0.00018; ESP Exome Variant Server 0.00023.
gnomAD v4.1: 51 of 1,610,702 alleles (0.0032%); highest among the groups gnomAD compares: African/African-American, 0.059%; no homozygotes.

Submissions (2):

Ambry Genetics
Classification: Uncertain significance for Inborn genetic diseases. Last evaluated: 2025-08-14. Review status: criteria provided, single submitter. Criteria: Ambry Variant Classification Scheme 2023. Collection method: clinical testing. Allele origin: germline.

Labcorp Genetics (formerly Invitae), Labcorp
Classification: Uncertain significance for Imerslund-Grasbeck syndrome. Last evaluated: 2023-06-03. Review status: criteria provided, single submitter. Criteria: Invitae Variant Classification Sherloc (09022015). Collection method: clinical testing. Allele origin: germline.
Comment: This variant has not been reported in the literature in individuals affected with CUBN-related conditions. In summary, the available evidence is currently insufficient to determine the role of this variant in disease. Therefore, it has been classified as a Variant of Uncertain Significance. Advanced modeling of protein sequence and biophysical properties (such as structural, functional, and spatial information, amino acid conservation, physicochemical variation, residue mobility, and thermodynamic stability) performed at Invitae indicates that this missense variant is not expected to disrupt CUBN protein function. ClinVar contains an entry for this variant (Variation ID: 2382496). This variant is present in population databases (rs143465621, gnomAD 0.07%). This sequence change replaces serine, which is neutral and polar, with asparagine, which is neutral and polar, at codon 2214 of the CUBN protein (p.Ser2214Asn).